The following is an entry in ClinVar:

ClinVar aggregate classification (germline): Pathogenic. Review status: criteria provided, multiple submitters, no conflicts (2 of 4 stars). 3 submissions from 3 submitters: Pathogenic (3). Last evaluated 2025-09-02.

Conditions:
Peutz-Jeghers syndrome (PJS). Also called: Peutz-Jeghers polyposis; Periorificial lentiginosis syndrome; POLYPOSIS, HAMARTOMATOUS INTESTINAL; POLYPS-AND-SPOTS SYNDROME. Identifiers: Orphanet 2869, MedGen C0031269, MeSH D010580, MONDO:0008280, OMIM 175200.
Hereditary cancer-predisposing syndrome. Also called: Hereditary neoplastic syndrome; Neoplastic Syndromes, Hereditary; Tumor predisposition; Hereditary Cancer Syndrome. Identifiers: Orphanet 140162, MedGen C0027672, MeSH D009386, MONDO:0015356.

Submissions (3):

Ambry Genetics
Classification: Pathogenic for Hereditary cancer-predisposing syndrome. Last evaluated: 2025-09-02. Review status: criteria provided, single submitter. Criteria: Ambry Variant Classification Scheme 2023. Collection method: clinical testing. Allele origin: germline.
Comment: The c.326delA pathogenic mutation, located in coding exon 2 of the STK11 gene, results from a deletion of one nucleotide at nucleotide position 326, causing a translational frameshift with a predicted alternate stop codon (p.N109Mfs*20). This variant is considered to be rare based on population cohorts in the Genome Aggregation Database (gnomAD). This alteration is expected to result in loss of function by premature protein truncation or nonsense-mediated mRNA decay. As such, this alteration is interpreted as a disease-causing mutation.

Labcorp Genetics (formerly Invitae), Labcorp
Classification: Pathogenic for Peutz-Jeghers syndrome. Last evaluated: 2022-10-05. Review status: criteria provided, single submitter. Criteria: Invitae Variant Classification Sherloc (09022015). Collection method: clinical testing. Allele origin: germline.
Comment: This sequence change creates a premature translational stop signal (p.Asn109Metfs*20) in the STK11 gene. It is expected to result in an absent or disrupted protein product. Loss-of-function variants in STK11 are known to be pathogenic (PMID: 15188174, 16287113). This variant is not present in population databases (gnomAD no frequency). For these reasons, this variant has been classified as Pathogenic. ClinVar contains an entry for this variant (Variation ID: 280868). This variant has not been reported in the literature in individuals affected with STK11-related conditions.

GeneDx
Classification: Pathogenic. Last evaluated: 2016-09-22. Review status: criteria provided, single submitter. Criteria: GeneDx Variant Classification (06012015). Collection method: clinical testing. Allele origin: germline. Affected: yes.
Comment: The c.326delA variant in the STK11 gene has not been reported previously as a pathogenic variant,nor as a benign variant, to our knowledge. This deletion causes a frameshift starting with codonAsparagine 109, changes this amino acid to a Methionine residue and creates a premature Stop codonat position 20 of the new reading frame, denoted p.Asn109MetfsX20. This variant is predicted tocause loss of normal protein function either through protein truncation or nonsense-mediated mRNAdecay. Based on currently available evidence, we consider c.326delA to be pathogenic.

Literature cited by the submitters: PubMed 15188174 (cited by Labcorp Genetics (formerly Invitae), Labcorp); PubMed 16287113 (cited by Labcorp Genetics (formerly Invitae), Labcorp).

NM_000455.5(STK11):c.326del (p.Asn109fs)

Gene: STK11 (serine/threonine kinase 11; plus strand). Cytogenetic location: 19p13.3.
Variant type: Deletion.
Coding change: c.326del on transcript NM_000455.5 (MANE Select); coding-DNA position 326, one base deleted (A; older notation c.326delA).
Protein change: p.Asn109fs; shifts the reading frame from asparagine 109.
Molecular consequence: frameshift variant.
Genome position (GRCh38, 1-based): chr19:1,218,452, A deleted; the last of 5 consecutive A bases (chr19:1,218,448-1,218,452); deleting any one gives the same sequence. VCF-style (leftmost placement, unchanged base first): chr19-1218447-CA-C. GRCh37 (hg19) VCF-style: chr19-1218446-CA-C.
Other names: c.326delA (NM_000455.4); short protein forms N109fs.
Identifiers: ClinVar variation 280868 (VCV000280868.7), dbSNP rs886041996, ClinGen allele CA10603339.